The following is an entry in ClinVar:

ClinVar aggregate classification (germline): Uncertain significance (1 of 4 stars; one submission).

Conditions:
SPTBN1-related disorder. Also called: SPTBN1-related condition.

gnomAD v4.1: 2 of 1,614,084 alleles (0.00012%); highest among the groups gnomAD compares: Non-Finnish European, 0.00017%; no homozygotes.

Submission:

PreventionGenetics, part of Exact Sciences
Classification: Uncertain significance for SPTBN1-related condition. Last evaluated: 2025-05-05. Review status: criteria provided, single submitter. Criteria: ACMG Guidelines, 2015. Collection method: clinical testing. Allele origin: germline.
Comment: The SPTBN1 c.5479A>G variant is predicted to result in the amino acid substitution p.Lys1827Glu. To our knowledge, this variant has not been reported in the literature. This variant is reported in 0.0018% of alleles in individuals of European (Non-Finnish) descent in gnomAD. At this time, the clinical significance of this variant is uncertain due to the absence of conclusive functional and genetic evidence.

NM_003128.3(SPTBN1):c.5479A>G (p.Lys1827Glu)

Gene: SPTBN1 (spectrin beta, non-erythrocytic 1; plus strand). Cytogenetic location: 2p16.2.
Variant type: single nucleotide variant.
Coding change: c.5479A>G on transcript NM_003128.3 (MANE Select); coding-DNA position 5479, A replaced by G.
Protein change: p.Lys1827Glu; replaces lysine 1827 with glutamic acid.
Molecular consequence: missense variant.
Genome position (GRCh38, 1-based): chr2:54,649,891, A>G. VCF-style: chr2-54649891-A-G. GRCh37 (hg19) VCF-style: chr2-54877028-A-G.
Other names: c.5440A>G, p.Lys1814Glu (NM_178313.3); short protein forms K1827E, K1814E.
Identifiers: ClinVar variation 4984704 (VCV004984704.1).
Genomic context (GRCh38, chr2:54,649,891, plus strand): 5'-CTGCACAAGTTTTACCACGATGCCAAGGAGATCTTTGGGCGTATACAGGACAAACACAAG[A>G]AACTCCCTGAGGAGCTTGGGAGAGATCAGAACACAGTGGAGACCTTACAGAGAATGCACA-3'
Protein context (NP_003119.2, residues 1817-1837): IFGRIQDKHK[Lys1827Glu]LPEELGRDQN